The following is an entry in ClinVar:

ClinVar aggregate classification (germline): Benign/Likely benign. Review status: criteria provided, multiple submitters, no conflicts (2 of 4 stars). 2 submissions from 2 submitters: Benign (1); Likely benign (1). Last evaluated 2026-09-01.

Conditions:
Epilepsy, X-linked 1, with variable learning disabilities and behavior disorders. Also called: X-linked epilepsy-learning disabilities-behavior disorders syndrome. Identifiers: Orphanet 85294, MedGen C5774177, MONDO:0010339, OMIM 300491.

Allele frequency attached by ClinVar (database versions not stated): TOPMed 0.00001; gnomAD 0.00004; ExAC 0.00019; gnomAD exomes 0.00019; 1000 Genomes Project 0.00053; 1000 Genomes Project 30x 0.00062.
gnomAD v4.1: 133 of 1,210,454 alleles (0.011%); highest among the groups gnomAD compares: South Asian, 0.22%; 2 homozygotes.

Submissions (2):

CeGaT Center for Human Genetics Tuebingen
Classification: Likely benign. Last evaluated: 2026-09-01. Review status: criteria provided, single submitter. Criteria: CeGaT Center For Human Genetics Tuebingen Variant Classification Criteria Version 2. Collection method: clinical testing. Allele origin: germline. Affected: yes. Observed: 1 variant allele.
Comment: SYN1: BP4, BP7, BS2

Labcorp Genetics (formerly Invitae), Labcorp
Classification: Benign for Epilepsy, X-linked 1, with variable learning disabilities and behavior disorders. Last evaluated: 2025-11-24. Review status: criteria provided, single submitter. Criteria: Invitae Variant Classification Sherloc (09022015). Collection method: clinical testing. Allele origin: germline.

NM_006950.3(SYN1):c.999G>T (p.Gly333=)

Gene: SYN1 (synapsin I; minus strand). Cytogenetic location: Xp11.3.
Variant type: single nucleotide variant.
Coding change: c.999G>T on transcript NM_006950.3 (MANE Select); coding-DNA position 999, G replaced by T.
Protein change: p.Gly333=; no amino-acid change (glycine 333 retained).
Molecular consequence: synonymous variant.
Genome position (GRCh38, 1-based): chrX:47,576,388, C>A on the plus strand (G>T on the coding strand, the complement: SYN1 is on the minus strand). VCF-style: chrX-47576388-C-A. GRCh37 (hg19) VCF-style: chrX-47435787-C-A.
Other names: c.999G>T, p.Gly333= (NM_133499.2).
Identifiers: ClinVar variation 1600920 (VCV001600920.9), dbSNP rs752926074, ClinGen allele CA10398431.